The following is an entry in ClinVar:

NM_001379610.1(SPINK1):c.190A>G (p.Asn64Asp)

Gene: SPINK1 (serine peptidase inhibitor Kazal type 1; minus strand). Cytogenetic location: 5q32.
Variant type: single nucleotide variant.
Coding change: c.190A>G on transcript NM_001379610.1 (MANE Select); coding-DNA position 190, A replaced by G.
Protein change: p.Asn64Asp; replaces asparagine 64 with aspartic acid.
Molecular consequence: missense variant.
Genome position (GRCh38, 1-based): chr5:147,828,026, T>C on the plus strand (A>G on the coding strand, the complement: SPINK1 is on the minus strand). VCF-style: chr5-147828026-T-C. GRCh37 (hg19) VCF-style: chr5-147207589-T-C.
Other names: c.190A>G, p.Asn64Asp (NM_001354966.2, NM_003122.5); short protein forms N64D.
Identifiers: ClinVar variation 1038523 (VCV001038523.12), dbSNP rs1261616345, ClinGen allele CA361885166.

ClinVar aggregate classification (germline): Uncertain significance. Review status: criteria provided, multiple submitters, no conflicts (2 of 4 stars). 2 submissions from 2 submitters: Uncertain significance (2). Last evaluated 2024-07-08.

Conditions:
Hereditary pancreatitis (PCTT). Also called: PRSS1-Related Hereditary Pancreatitis; Hereditary chronic pancreatitis. Identifiers: Orphanet 676, MedGen C0238339, MONDO:0008185, OMIM 167800.

Allele frequency attached by ClinVar (database versions not stated): gnomAD exomes below 0.00001; TOPMed below 0.00001; gnomAD 0.00001.
gnomAD v4.1: 8 of 1,611,984 alleles (0.0005%); highest among the groups gnomAD compares: Non-Finnish European, 0.00059%; no homozygotes.

Submissions (2):

Labcorp Genetics (formerly Invitae), Labcorp
Classification: Uncertain significance for Hereditary pancreatitis. Last evaluated: 2024-07-08. Review status: criteria provided, single submitter. Criteria: Invitae Variant Classification Sherloc (09022015). Collection method: clinical testing. Allele origin: germline.
Comment: This sequence change replaces asparagine, which is neutral and polar, with aspartic acid, which is acidic and polar, at codon 64 of the SPINK1 protein (p.Asn64Asp). This variant is not present in population databases (gnomAD no frequency). This missense change has been observed in individual(s) with pancreatitis (PMID: 22094894, 33515547). ClinVar contains an entry for this variant (Variation ID: 1038523). An algorithm developed to predict the effect of missense changes on protein structure and function (PolyPhen-2) suggests that this variant is likely to be disruptive. Experimental studies have shown that this missense change affects SPINK1 function (PMID: 22343981, 28994706). In summary, the available evidence is currently insufficient to determine the role of this variant in disease. Therefore, it has been classified as a Variant of Uncertain Significance.

Ambry Genetics
Classification: Uncertain significance for Hereditary pancreatitis. Last evaluated: 2024-05-22. Review status: criteria provided, single submitter. Criteria: Ambry Variant Classification Scheme 2023. Collection method: clinical testing. Allele origin: germline.
Comment: The p.N64D variant (also known as c.190A>G), located in coding exon 3 of the SPINK1 gene, results from an A to G substitution at nucleotide position 190. The asparagine at codon 64 is replaced by aspartic acid, an amino acid with highly similar properties. This variant was reported in multiple individuals with chronic or recurrent pancreatitis (Sultan M et al. J Pediatr Gastroenterol Nutr, 2012 May;54:645-50). Functional studies suggest that the variant reduces protein expression; however, additional evidence is needed to confirm this finding (Boulling A et al. Pancreas, 2012 Mar;41:329-30). This amino acid position is highly conserved in available vertebrate species. In addition, this alteration is predicted to be tolerated by in silico analysis. Based on the available evidence, the clinical significance of this variant remains unclear.

Literature cited by the submitters: PubMed 22094894 (cited by Labcorp Genetics (formerly Invitae), Labcorp and Ambry Genetics); PubMed 33515547 (cited by Labcorp Genetics (formerly Invitae), Labcorp); PubMed 22343981 (cited by Labcorp Genetics (formerly Invitae), Labcorp and Ambry Genetics); PubMed 28994706 (cited by Labcorp Genetics (formerly Invitae), Labcorp).